The following is an entry in ClinVar:

ClinVar aggregate classification (germline): Uncertain significance (1 of 4 stars; one submission).

gnomAD v4.1: 35 of 1,390,266 alleles (0.0025%); highest among the groups gnomAD compares: Admixed American, 0.013%; no homozygotes.

Submission:

Women's Health and Genetics/Laboratory Corporation of America, LabCorp
Classification: Uncertain significance. Last evaluated: 2025-05-12. Review status: criteria provided, single submitter. Criteria: LabCorp Variant Classification Summary - May 2015. Collection method: clinical testing. Allele origin: germline.
Comment: Variant summary: FGB c.832+6C>A alters a nucleotide located close to a canonical splice site and therefore could affect mRNA splicing, leading to a significantly altered protein sequence. Consensus agreement among computation tools predict no significant impact on normal splicing. However, these predictions have yet to be confirmed by functional studies. The variant allele was found at a frequency of 2.4e-05 in 250710 control chromosomes (gnomAD). The available data on variant occurrences in the general population are insufficient to allow any conclusion about variant significance. To our knowledge, no occurrence of c.832+6C>A in individuals affected with Afibrinogenemia, Congenital and no experimental evidence demonstrating its impact on protein function have been reported. No submitters have cited clinical-significance assessments for this variant to ClinVar. Based on the evidence outlined above, the variant was classified as uncertain significance.

NM_005141.5(FGB):c.832+6C>A

Gene: FGB (fibrinogen beta chain; plus strand). Cytogenetic location: 4q31.3.
Variant type: single nucleotide variant.
Coding change: c.832+6C>A on transcript NM_005141.5 (MANE Select); 6 bases into the intron after coding-DNA position 832, C replaced by A.
Molecular consequence: intron variant.
Genome position (GRCh38, 1-based): chr4:154,568,500, C>A. VCF-style: chr4-154568500-C-A. GRCh37 (hg19) VCF-style: chr4-155489652-C-A.
Other names: c.655+6C>A (NM_001184741.1); c.832+6C>A (NM_001382761.1, NM_001382760.1, NM_001382765.1 and 2 more transcripts); c.745+93C>A (NM_001382762.1); c.700+6C>A (NM_001382759.1).
Identifiers: ClinVar variation 3902283 (VCV003902283.1).
Genomic context (GRCh38, chr4:154,568,500, plus strand): 5'-GACAGTTCTGTCAAACCGTATAGAGTATACTGTGACATGAATACAGAAAATGGAGGTAAG[C>A]TTTCGACAGTTGTTGACCTGTTGATCTGTAATTATTTGGATACCGTAAAATGCCAGGAAA-3'